The following is an entry in ClinVar:

NM_001042492.3(NF1):c.4255G>A (p.Val1419Ile)

Gene: NF1 (neurofibromin 1; plus strand). Cytogenetic location: 17q11.2.
Variant type: single nucleotide variant.
Coding change: c.4255G>A on transcript NM_001042492.3 (MANE Select); coding-DNA position 4255, G replaced by A.
Protein change: p.Val1419Ile; replaces valine 1419 with isoleucine.
Molecular consequence: missense variant.
Genome position (GRCh38, 1-based): chr17:31,258,425, G>A. VCF-style: chr17-31258425-G-A. GRCh37 (hg19) VCF-style: chr17-29585443-G-A.
Other names: c.4192G>A, p.Val1398Ile (NM_000267.4); short protein forms V1398I, V1419I.
Identifiers: ClinVar variation 859706 (VCV000859706.10), dbSNP rs2067622413, ClinGen allele CA398997909.

ClinVar aggregate classification (germline): Uncertain significance. Review status: criteria provided, multiple submitters, no conflicts (2 of 4 stars). 3 submissions from 3 submitters: Uncertain significance (3). Last evaluated 2026-04-22.

Conditions:
Hereditary cancer-predisposing syndrome. Also called: Tumor predisposition; Neoplastic Syndromes, Hereditary; Hereditary neoplastic syndrome; Hereditary Cancer Syndrome. Identifiers: Orphanet 140162, MedGen C0027672, MeSH D009386, MONDO:0015356.
Cardiovascular phenotype. Identifiers: MedGen CN230736.
Neurofibromatosis, type 1 (NF1). Also called: Neurofibromatosis, type I; VON RECKLINGHAUSEN DISEASE; NEUROFIBROMATOSIS, TYPE I, SOMATIC; Peripheral type neurofibromatosis. Identifiers: Orphanet 636, MedGen C0027831, MONDO:0018975, OMIM 162200. Disease mechanism: loss of function.

Allele frequency attached by ClinVar (database versions not stated): TOPMed below 0.00001.

Submissions (3):

GeneDx
Classification: Uncertain significance. Last evaluated: 2026-04-22. Review status: criteria provided, single submitter. Criteria: GeneDx Variant Classification Process June 2021. Collection method: clinical testing. Allele origin: germline.
Comment: Not observed at significant frequency in large population cohorts (gnomAD); In silico analysis suggests that this missense variant does not alter protein structure/function; Has not been previously published as pathogenic or benign to our knowledge; This variant is associated with the following publications: (PMID: 25486365, 22807134)

Labcorp Genetics (formerly Invitae), Labcorp
Classification: Uncertain significance for Neurofibromatosis, type 1. Last evaluated: 2024-09-30. Review status: criteria provided, single submitter. Criteria: Invitae Variant Classification Sherloc (09022015). Collection method: clinical testing. Allele origin: germline.
Comment: This sequence change replaces valine, which is neutral and non-polar, with isoleucine, which is neutral and non-polar, at codon 1398 of the NF1 protein (p.Val1398Ile). This variant is not present in population databases (gnomAD no frequency). This variant has not been reported in the literature in individuals affected with NF1-related conditions. ClinVar contains an entry for this variant (Variation ID: 859706). Invitae Evidence Modeling of protein sequence and biophysical properties (such as structural, functional, and spatial information, amino acid conservation, physicochemical variation, residue mobility, and thermodynamic stability) indicates that this missense variant is expected to disrupt NF1 protein function with a positive predictive value of 95%. In summary, the available evidence is currently insufficient to determine the role of this variant in disease. Therefore, it has been classified as a Variant of Uncertain Significance.

Ambry Genetics
Classification: Uncertain significance for Cardiovascular phenotype; Hereditary cancer-predisposing syndrome. Last evaluated: 2022-09-30. Review status: criteria provided, single submitter. Criteria: Ambry Variant Classification Scheme 2023. Collection method: clinical testing. Allele origin: germline.
Comment: The p.V1398I variant (also known as c.4192G>A), located in coding exon 31 of the NF1 gene, results from a G to A substitution at nucleotide position 4192. The valine at codon 1398 is replaced by isoleucine, an amino acid with highly similar properties. This amino acid position is highly conserved in available vertebrate species. In addition, the in silico prediction for this alteration is inconclusive. Since supporting evidence is limited at this time, the clinical significance of this alteration remains unclear.